The following is an entry in ClinVar:

ClinVar aggregate classification (germline): Uncertain significance. Review status: criteria provided, single submitter (1 of 4 stars). 2 submissions from 2 submitters: Uncertain significance (1). 1 of the submissions does not count toward it. Last evaluated 2022-09-13.

Conditions:
PALLD-related disorder. Also called: PALLD-related condition.

Allele frequency attached by ClinVar (database versions not stated): gnomAD 0.00005; gnomAD exomes 0.00029; TOPMed 0.00030; 1000 Genomes Project 30x 0.00016; 1000 Genomes Project 0.00020; ExAC 0.00063.
gnomAD v4.1: 184 of 1,614,182 alleles (0.011%); highest among the groups gnomAD compares: Admixed American, 0.3%; no homozygotes.

Submissions (2):

Ambry Genetics
Classification: Uncertain significance. Last evaluated: 2022-09-13. Review status: criteria provided, single submitter. Criteria: Ambry Variant Classification Scheme 2023. Collection method: clinical testing. Allele origin: germline.
Comment: The p.E333D variant (also known as c.999G>T), located in coding exon 2 of the PALLD gene, results from a G to T substitution at nucleotide position 999. The glutamic acid at codon 333 is replaced by aspartic acid, an amino acid with highly similar properties. This amino acid position is conserved. In addition, the in silico prediction for this alteration is inconclusive. Since supporting evidence is limited at this time, the clinical significance of this alteration remains unclear.

PreventionGenetics, part of Exact Sciences
Classification: Benign for PALLD-related condition. Last evaluated: 2020-07-08. Review status: no assertion criteria provided. Collection method: clinical testing. Allele origin: germline. Not counted in ClinVar's aggregate classification.
Comment: This variant is classified as benign based on ACMG/AMP sequence variant interpretation guidelines (Richards et al. 2015 PMID: 25741868, with internal and published modifications).

NM_001166108.2(PALLD):c.999G>T (p.Glu333Asp)

Gene: PALLD (palladin, cytoskeletal associated protein; plus strand). Cytogenetic location: 4q32.3.
Variant type: single nucleotide variant.
Coding change: c.999G>T on transcript NM_001166108.2 (MANE Select); coding-DNA position 999, G replaced by T.
Protein change: p.Glu333Asp; replaces glutamic acid 333 with aspartic acid.
Molecular consequence: missense variant. On other transcripts: 5 prime UTR variant (1).
Genome position (GRCh38, 1-based): chr4:168,668,280, G>T. VCF-style: chr4-168668280-G-T. GRCh37 (hg19) VCF-style: chr4-169589431-G-T.
Other names: c.-148G>T (NM_001166109.2); c.999G>T, p.Glu333Asp (NM_016081.4); short protein forms E333D.
Identifiers: ClinVar variation 1768863 (VCV001768863.4), dbSNP rs144807771, ClinGen allele CA3135488.